The following is an entry in ClinVar:

NM_004260.4(RECQL4):c.1994A>G (p.His665Arg)

Gene: RECQL4 (RecQ like helicase 4; minus strand). Cytogenetic location: 8q24.3.
Variant type: single nucleotide variant.
Coding change: c.1994A>G on transcript NM_004260.4 (MANE Select); coding-DNA position 1994, A replaced by G.
Protein change: p.His665Arg; replaces histidine 665 with arginine.
Molecular consequence: missense variant.
Genome position (GRCh38, 1-based): chr8:144,513,992, T>C on the plus strand (A>G on the coding strand, the complement: RECQL4 is on the minus strand). VCF-style: chr8-144513992-T-C. GRCh37 (hg19) VCF-style: chr8-145739376-T-C.
Other names: short protein forms H665R.
Identifiers: ClinVar variation 528948 (VCV000528948.5), dbSNP rs1554899274, ClinGen allele CA372680344.

ClinVar aggregate classification (germline): Conflicting classifications of pathogenicity. Review status: criteria provided, conflicting classifications (1 of 4 stars). 2 submissions from 2 submitters: Uncertain significance (1); Likely benign (1). Last evaluated 2025-11-11.

Conditions:
Inborn genetic diseases. Identifiers: MedGen C0950123, MeSH D030342.
Baller-Gerold syndrome (BGS). Also called: CRANIOSYNOSTOSIS WITH RADIAL DEFECTS. Identifiers: Orphanet 1225, MedGen C0265308, MONDO:0009039, OMIM 218600.

Submissions (2):

Ambry Genetics
Classification: Likely benign for Inborn genetic diseases. Last evaluated: 2025-11-11. Review status: criteria provided, single submitter. Criteria: Ambry Variant Classification Scheme 2023. Collection method: clinical testing. Allele origin: germline.

Labcorp Genetics (formerly Invitae), Labcorp
Classification: Uncertain significance for Baller-Gerold syndrome. Last evaluated: 2017-12-10. Review status: criteria provided, single submitter. Criteria: Invitae Variant Classification Sherloc (09022015). Collection method: clinical testing. Allele origin: germline.
Comment: This variant has not been reported in the literature in individuals with RECQL4-related disease. This sequence change replaces histidine with arginine at codon 665 of the RECQL4 protein (p.His665Arg). The histidine residue is weakly conserved and there is a small physicochemical difference between serine and asparagine. Algorithms developed to predict the effect of missense changes on protein structure and function output the following: SIFT: "Tolerated"; PolyPhen-2: "Benign"; Align-GVGD: "Class C0". The arginine amino acid residue is found in multiple mammalian species, suggesting that this missense change does not adversely affect protein function. These predictions have not been confirmed by published functional studies and their clinical significance is uncertain. This variant is not present in population databases (ExAC no frequency). In summary, the available evidence is currently insufficient to determine the role of this variant in disease. Therefore, it has been classified as a Variant of Uncertain Significance.